The following is an entry in ClinVar:

NC_000006.11:g.(?_135606783)_(138202456_?)del

Genes: AHI1 (Abelson helper integration site 1; minus strand), BCLAF1 (BCL2 associated transcription factor 1; minus strand), IFNGR1 (interferon gamma receptor 1; minus strand), IL20RA (interleukin 20 receptor subunit alpha; minus strand), IL22RA2 (interleukin 22 receptor subunit alpha 2; minus strand) and 9 more. Cytogenetic location: 6q23.3.
Variant type: Deletion.
Identifiers: ClinVar variation 3246073 (VCV003246073.1).

ClinVar aggregate classification (germline): Pathogenic (1 of 4 stars; one submission).

Conditions:
Peroxisome biogenesis disorder 9B. Also called: PEX7-Related Refsum Disease; PEROXISOME BIOGENESIS DISORDER, PEX7-RELATED, ATYPICAL; Refsum disease, adult, 2. Identifiers: Orphanet 773, MedGen C2749346, MONDO:0013945, OMIM 614879.

Submission:

Labcorp Genetics (formerly Invitae), Labcorp
Classification: Pathogenic for Peroxisome biogenesis disorder 9B. Last evaluated: 2023-05-22. Review status: criteria provided, single submitter. Criteria: Invitae Variant Classification Sherloc (09022015). Collection method: clinical testing. Allele origin: unknown.
Comment: For these reasons, this variant has been classified as Pathogenic. This variant has not been reported in the literature in individuals affected with PEX7-related conditions. A gross deletion of the genomic region encompassing the full coding sequence of the PEX7 gene has been identified. Loss-of-function variants in PEX7 are known to be pathogenic (PMID: 12325024, 12522768, 20301447). The boundaries of this event are unknown as they extend beyond the assayed region for this gene and therefore may encompass additional genes.

Literature cited by the submitters: PubMed 12325024; PubMed 12522768; PubMed 20301447.